The following is an entry in ClinVar:

ClinVar aggregate classification (germline): Likely pathogenic (1 of 4 stars; one submission).

Conditions:
Intellectual developmental disorder, autosomal recessive 78 (MRT78). Identifiers: MedGen C5830269, MONDO:0859373, OMIM 620237.

Submission:

Juno Genomics, Hangzhou Juno Genomics, Inc
Classification: Likely pathogenic for Intellectual developmental disorder, autosomal recessive 78. Review status: criteria provided, single submitter. Criteria: ACMG Guidelines, 2015. Collection method: clinical testing. Allele origin: germline.
Comment: Absent from controls (or at extremely low frequency if recessive) in Genome Aggregation Database.;Null variant in a gene where loss of function (LOF) is a known mechanism of disease.

NM_018117.12(WDR11):c.521T>G (p.Leu174Ter)

Gene: WDR11 (WD repeat domain 11; plus strand). Cytogenetic location: 10q26.12.
Variant type: single nucleotide variant.
Coding change: c.521T>G on transcript NM_018117.12 (MANE Select); coding-DNA position 521, T replaced by G.
Protein change: p.Leu174Ter; replaces leucine 174 with a stop codon.
Molecular consequence: nonsense.
Genome position (GRCh38, 1-based): chr10:120,860,277, T>G. VCF-style: chr10-120860277-T-G. GRCh37 (hg19) VCF-style: chr10-122619789-T-G.
Other names: short protein forms L174*.
Identifiers: ClinVar variation 5019122 (VCV005019122.2).